The following is an entry in ClinVar:

NM_000051.4(ATM):c.3018G>A (p.Met1006Ile)

Gene: ATM (ATM serine/threonine kinase; plus strand). Cytogenetic location: 11q22.3.
Variant type: single nucleotide variant.
Coding change: c.3018G>A on transcript NM_000051.4 (MANE Select); coding-DNA position 3018, G replaced by A.
Protein change: p.Met1006Ile; replaces methionine 1006 with isoleucine.
Molecular consequence: missense variant.
Genome position (GRCh38, 1-based): chr11:108,271,347, G>A. VCF-style: chr11-108271347-G-A. GRCh37 (hg19) VCF-style: chr11-108142074-G-A.
Other names: c.3018G>A, p.Met1006Ile (NM_001351834.2); short protein forms M1006I.
Identifiers: ClinVar variation 1798877 (VCV001798877.2), dbSNP rs2135553601, ClinGen allele CA382547465.

ClinVar aggregate classification (germline): Uncertain significance (1 of 4 stars; one submission).

Conditions:
Hereditary cancer-predisposing syndrome. Also called: Neoplastic Syndromes, Hereditary; Tumor predisposition; Hereditary Cancer Syndrome; Hereditary neoplastic syndrome. Identifiers: Orphanet 140162, MedGen C0027672, MeSH D009386, MONDO:0015356.

Submission:

Ambry Genetics
Classification: Uncertain significance for Hereditary cancer-predisposing syndrome. Last evaluated: 2021-12-06. Review status: criteria provided, single submitter. Criteria: Ambry Variant Classification Scheme 2023. Collection method: clinical testing. Allele origin: germline.
Comment: The p.M1006I variant (also known as c.3018G>A), located in coding exon 19 of the ATM gene, results from a G to A substitution at nucleotide position 3018. The methionine at codon 1006 is replaced by isoleucine, an amino acid with highly similar properties. This alteration has been reported in at least one breast cancer patient in a study of 13087 breast cancer cases and 5488 control individuals in the UK (Decker B et al. J Med Genet, 2017 11;54:732-741). This amino acid position is poorly conserved in available vertebrate species. In addition, this alteration is predicted to be tolerated by in silico analysis. Since supporting evidence is limited at this time, the clinical significance of this alteration remains unclear.

Literature cited by the submitters: PubMed 28779002.